The following is an entry in ClinVar:

NM_001323289.2(CDKL5):c.173_174insGGCCCGGCGCGGTGGCTCACGCCTGTAATACCAGCACTTATGGAGGCCGAGGCGGGCGGATCACGNNNNNNNNNNAAAAAAAAAAAAAAAAAAAAAAAGAAACGACTTT (p.Leu58_Arg59insAlaArgArgGlyGlySerArgLeuTer)

Gene: CDKL5 (cyclin dependent kinase like 5; plus strand). Cytogenetic location: Xp22.13.
Variant type: Insertion.
Coding change: c.173_174insGGCCCGGCGCGGTGGCTCACGCCTGTAATACCAGCACTTATGGAGGCCGAGGCGGGCGGATCACGNNNNNNNNNNAAAAAAAAAAAAAAAAAAAAAAAGAAACGACTTT on transcript NM_001323289.2 (MANE Select); coding-DNA positions 173 to 174, GGCCCGGCGCGGTGGCTCACGCCTGTAATACCAGCACTTATGGAGGCCGAGGCGGGCGGATCACGNNNNNNNNNNAAAAAAAAAAAAAAAAAAAAAAAGAAACGACTTT inserted.
Protein change: p.Leu58_Arg59insAlaArgArgGlyGlySerArgLeuTer.
Molecular consequence: nonsense, inframe insertion.
Genome position: GRCh38: chrX:18,575,381-18,575,382. GRCh37 (hg19): chrX:18,593,501-18,593,502.
Other names: c.173_174insGGCCCGGCGCGGTGGCTCACGCCTGTAATACCAGCACTTATGGAGGCCGAGGCGGGCGGATCACGNNNNNNNNNNAAAAAAAAAAAAAAAAAAAAAAAGAAACGACTTT, p.Leu58_Arg59insAlaArgArgGlyGlySerArgLeuTer (NM_001037343.2, NM_003159.3).
Identifiers: ClinVar variation 2950722 (VCV002950722.3), dbSNP rs2518844536.

ClinVar aggregate classification (germline): Pathogenic (1 of 4 stars; one submission).

Conditions:
Developmental and epileptic encephalopathy, 2 (DEE2). Also called: INFANTILE SPASM SYNDROME, X-LINKED 2; CDKL5 deficiency disorder. Identifiers: Orphanet 1934, Orphanet 3451, Orphanet 505652, MedGen C4750718, MONDO:0010396, OMIM 300672.
Angelman syndrome-like. Identifiers: MedGen CN128785.

Submission:

Labcorp Genetics (formerly Invitae), Labcorp
Classification: Pathogenic for Developmental and epileptic encephalopathy, 2; Angelman syndrome-like. Last evaluated: 2023-08-05. Review status: criteria provided, single submitter. Criteria: Invitae Variant Classification Sherloc (09022015). Collection method: clinical testing. Allele origin: germline.
Comment: This sequence change inserts a large fragment of DNA, likely a transposable element, in exon 5 of the CDKL5 gene (c.173_174ins?), causing a frameshift at codon 58 (p.Leu58fs). The exact size and sequence of the insertion cannot be determined by the current assay. However, the insertion is expected to result in an absent or disrupted protein product. This variant is not present in population databases (gnomAD no frequency). This variant has not been reported in the literature in individuals affected with CDKL5-related conditions. Retrotransposon insertions including LINE1 (L1), Alu, and SVA (SINE-VNTR-Alu) have been reported to be disease-causing through disruption of either a coding region or splice site (PMID: 19763152, 20307669, 22406018) and loss-of-function variants in CDKL5 are known to be pathogenic (PMID: 22872100). For these reasons, this variant has been classified as Pathogenic.

Literature cited by the submitters: PubMed 19763152; PubMed 20307669; PubMed 22406018; PubMed 22872100.